The following is an entry in ClinVar:

NM_030943.4(AMN):c.290G>A (p.Gly97Asp)

Gene: AMN (amnion associated transmembrane protein; plus strand). Cytogenetic location: 14q32.32.
Variant type: single nucleotide variant.
Coding change: c.290G>A on transcript NM_030943.4 (MANE Select); coding-DNA position 290, G replaced by A.
Protein change: p.Gly97Asp; replaces glycine 97 with aspartic acid.
Molecular consequence: missense variant.
Genome position (GRCh38, 1-based): chr14:102,928,508, G>A. VCF-style: chr14-102928508-G-A. GRCh37 (hg19) VCF-style: chr14-103394845-G-A.
Other names: c.128G>A, p.Gly43Asp (NM_001425246.1); short protein forms G43D, G97D.
Identifiers: ClinVar variation 3576377 (VCV003576377.3).
Genomic context (GRCh38, chr14:102,928,508, plus strand): 5'-TCGTCCTGGCTTCAGGAGCCGGATTCGGCGTCTCAGACGTGGGCTCGCACCTGGACTGTG[G>A]CGCGGGTGAGGCGGTCGGGCAGGGGCGGGGCTCTGGAAAGGCATGTTCAGGGGCGGGGAC-3'
Protein context (NP_112205.2, residues 87-107): VSDVGSHLDC[Gly97Asp]AGEPAVFRDS

ClinVar aggregate classification (germline): Uncertain significance. Review status: criteria provided, multiple submitters, no conflicts (2 of 4 stars). 2 submissions from 2 submitters: Uncertain significance (2). Last evaluated 2024-06-13.

Conditions:
Imerslund-Grasbeck syndrome. Also called: PERNICIOUS ANEMIA, JUVENILE, DUE TO SELECTIVE INTESTINAL MALABSORPTION OF VITAMIN B12, WITH PROTEINURIA; Imerslund-Gräsbeck syndrome; Megaloblastic anemia due to inborn errors of metabolism; ENTEROCYTE COBALAMIN MALABSORPTION; ENTEROCYTE INTRINSIC FACTOR RECEPTOR, DEFECT OF. Identifiers: Orphanet 35858, MedGen C4551825, MONDO:0009853.
Imerslund-Grasbeck syndrome type 2. Also called: Megaloblastic anemia 1, Norwegian type; MEGALOBLASTIC ANEMIA, NORWEGIAN TYPE; Imerslund-Gräsbeck syndrome 2. Identifiers: MedGen C4016948, MONDO:0100157, OMIM 618882.

gnomAD v4.1: 19 of 1,606,964 alleles (0.0012%); highest among the groups gnomAD compares: East Asian, 0.029%; no homozygotes.

Submissions (2):

Fulgent Genetics
Classification: Uncertain significance for Imerslund-Grasbeck syndrome type 2. Last evaluated: 2024-06-13. Review status: criteria provided, single submitter. Criteria: ACMG Guidelines, 2015. Collection method: clinical testing. Allele origin: germline.

Labcorp Genetics (formerly Invitae), Labcorp
Classification: Uncertain significance for Imerslund-Grasbeck syndrome. Last evaluated: 2024-06-03. Review status: criteria provided, single submitter. Criteria: Invitae Variant Classification Sherloc (09022015). Collection method: clinical testing. Allele origin: germline.
Comment: This sequence change replaces glycine, which is neutral and non-polar, with aspartic acid, which is acidic and polar, at codon 97 of the AMN protein (p.Gly97Asp). This variant is present in population databases (rs769407881, gnomAD 0.03%). This variant has not been reported in the literature in individuals affected with AMN-related conditions. Advanced modeling of protein sequence and biophysical properties (such as structural, functional, and spatial information, amino acid conservation, physicochemical variation, residue mobility, and thermodynamic stability) performed at Invitae indicates that this missense variant is not expected to disrupt AMN protein function with a negative predictive value of 80%. In summary, the available evidence is currently insufficient to determine the role of this variant in disease. Therefore, it has been classified as a Variant of Uncertain Significance.